The following is an entry in ClinVar:

NM_002485.5(NBN):c.313A>T (p.Lys105Ter)

Gene: NBN (nibrin; minus strand). Cytogenetic location: 8q21.3.
Variant type: single nucleotide variant.
Coding change: c.313A>T on transcript NM_002485.5 (MANE Select); coding-DNA position 313, A replaced by T.
Protein change: p.Lys105Ter; replaces lysine 105 with a stop codon.
Molecular consequence: nonsense.
Genome position (GRCh38, 1-based): chr8:89,981,382, T>A on the plus strand (A>T on the coding strand, the complement: NBN is on the minus strand). VCF-style: chr8-89981382-T-A. GRCh37 (hg19) VCF-style: chr8-90993610-T-A.
Other names: c.67A>T, p.Lys23Ter (NM_001024688.3); short protein forms K105*, K23*.
Identifiers: ClinVar variation 1726837 (VCV001726837.2), dbSNP rs2488359906, ClinGen allele CA371662278.

ClinVar aggregate classification (germline): Likely pathogenic (1 of 4 stars; one submission).

Conditions:
Microcephaly, normal intelligence and immunodeficiency (NBS). Also called: Ataxia telangiectasia variant V1; IMMUNODEFICIENCY, MICROCEPHALY, AND CHROMOSOMAL INSTABILITY; SEEMANOVA SYNDROME II; Immunodeficiency, microcephaly with normal intelligence; Nijmegen breakage syndrome; Microcephaly with normal intelligence immunodeficiency and lymphoreticular malignancies. Identifiers: Orphanet 647, MedGen C0398791, MONDO:0009623, OMIM 251260.

Submission:

Myriad Genetics, Inc.
Classification: Likely pathogenic for Microcephaly, normal intelligence and immunodeficiency. Last evaluated: 2022-01-02. Review status: criteria provided, single submitter. Criteria: Myriad Women's Health Autosomal Recessive and X-Linked Classification Criteria (2021). Collection method: clinical testing. Allele origin: unknown.
Comment: NM_002485.4(NBN):c.313A>T(K105*) is expected to be pathogenic in the context of Nijmegen breakage syndrome. This variant is predicted to lead to an abnormal or absent protein product due to the creation of a premature termination codon in NBN, a gene where loss-of-function variants are known to be pathogenic. Please note: this variant was assessed in the context of healthy population screening.